The following is an entry in ClinVar:

ClinVar aggregate classification (germline): Uncertain significance (1 of 4 stars; one submission).

gnomAD v4.1: 5 of 1,614,196 alleles (0.00031%); highest among the groups gnomAD compares: Non-Finnish European, 0.00042%; no homozygotes.

Submission:

Labcorp Genetics (formerly Invitae), Labcorp
Classification: Uncertain significance. Last evaluated: 2024-11-24. Review status: criteria provided, single submitter. Criteria: Invitae Variant Classification Sherloc (09022015). Collection method: clinical testing. Allele origin: germline.
Comment: This sequence change falls in intron 5 of the A2ML1 gene. It does not directly change the encoded amino acid sequence of the A2ML1 protein. It affects a nucleotide within the consensus splice site. This variant is present in population databases (rs751827485, gnomAD 0.0009%). This variant has not been reported in the literature in individuals affected with A2ML1-related conditions. Variants that disrupt the consensus splice site are a relatively common cause of aberrant splicing (PMID: 17576681, 9536098). Algorithms developed to predict the effect of sequence changes on RNA splicing suggest that this variant is not likely to affect RNA splicing. In summary, the available evidence is currently insufficient to determine the role of this variant in disease. Therefore, it has been classified as a Variant of Uncertain Significance.

Literature cited by the submitters: PubMed 17576681; PubMed 9536098.

NM_144670.6(A2ML1):c.483+4A>G

Gene: A2ML1 (alpha-2-macroglobulin like 1; plus strand). Cytogenetic location: 12p13.31.
Variant type: single nucleotide variant.
Coding change: c.483+4A>G on transcript NM_144670.6 (MANE Select); 4 bases into the intron after coding-DNA position 483, A replaced by G.
Molecular consequence: intron variant.
Genome position (GRCh38, 1-based): chr12:8,834,686, A>G. VCF-style: chr12-8834686-A-G. GRCh37 (hg19) VCF-style: chr12-8987282-A-G.
Identifiers: ClinVar variation 3625782 (VCV003625782.2).